The following is an entry in ClinVar:

ClinVar aggregate classification (germline): Uncertain significance (1 of 4 stars; one submission).

Conditions:
Hereditary cancer-predisposing syndrome. Also called: Neoplastic Syndromes, Hereditary; Tumor predisposition; Hereditary Cancer Syndrome; Hereditary neoplastic syndrome. Identifiers: Orphanet 140162, MedGen C0027672, MeSH D009386, MONDO:0015356.

Submission:

Ambry Genetics
Classification: Uncertain significance for Hereditary cancer-predisposing syndrome. Last evaluated: 2021-09-08. Review status: criteria provided, single submitter. Criteria: Ambry Variant Classification Scheme 2023. Collection method: clinical testing. Allele origin: germline.
Comment: The p.S996I variant (also known as c.2987G>T), located in coding exon 15 of the APC gene, results from a G to T substitution at nucleotide position 2987. The serine at codon 996 is replaced by isoleucine, an amino acid with dissimilar properties. This amino acid position is well conserved in available vertebrate species. In addition, in silico predictors for this gene do not accurately predict pathogenicity. Since supporting evidence is limited at this time, the clinical significance of this alteration remains unclear.

NM_000038.6(APC):c.2987G>T (p.Ser996Ile)

Gene: APC (APC regulator of Wnt signaling pathway; plus strand). Cytogenetic location: 5q22.2.
Variant type: single nucleotide variant.
Coding change: c.2987G>T on transcript NM_000038.6 (MANE Select); coding-DNA position 2987, G replaced by T.
Protein change: p.Ser996Ile; replaces serine 996 with isoleucine.
Molecular consequence: missense variant.
Genome position (GRCh38, 1-based): chr5:112,838,581, G>T. VCF-style: chr5-112838581-G-T. GRCh37 (hg19) VCF-style: chr5-112174278-G-T.
Other names: c.2987G>T, p.Ser996Ile (NM_001127510.3, NM_001354895.2, NM_001407450.1); c.2933G>T, p.Ser978Ile (NM_001127511.3); c.3041G>T, p.Ser1014Ile (NM_001354896.2, NM_001407447.1, NM_001407448.1 and 1 more transcripts); c.3017G>T, p.Ser1006Ile (NM_001354897.2); c.2912G>T, p.Ser971Ile (NM_001354898.2); c.2903G>T, p.Ser968Ile (NM_001354899.2); c.2864G>T, p.Ser955Ile (NM_001354900.2); c.2810G>T, p.Ser937Ile (NM_001354901.2, NM_001407453.1); and 11 more; short protein forms S836I, S867I, S870I, S996I, S1006I, S713I, S895I, S905I.
Identifiers: ClinVar variation 1798459 (VCV001798459.2), dbSNP rs1561581181, ClinGen allele CA16027867.